The following is an entry in ClinVar:

ClinVar aggregate classification (germline): Uncertain significance (1 of 4 stars; one submission).

Allele frequency attached by ClinVar (database versions not stated): gnomAD exomes below 0.00001.
gnomAD v4.1: 1 of 1,614,014 alleles (0.000062%); highest among the groups gnomAD compares: Admixed American, 0.0017%; no homozygotes.

Submission:

Ambry Genetics
Classification: Uncertain significance. Last evaluated: 2023-09-07. Review status: criteria provided, single submitter. Criteria: Ambry Variant Classification Scheme 2023. Collection method: clinical testing. Allele origin: germline.
Comment: The p.Q247E variant (also known as c.739C>G), located in coding exon 1 of the PALLD gene, results from a C to G substitution at nucleotide position 739. The glutamine at codon 247 is replaced by glutamic acid, an amino acid with highly similar properties. This amino acid position is conserved. In addition, this alteration is predicted to be tolerated by in silico analysis. Since supporting evidence is limited at this time, the clinical significance of this alteration remains unclear.

NM_001166108.2(PALLD):c.739C>G (p.Gln247Glu)

Gene: PALLD (palladin, cytoskeletal associated protein; plus strand). Cytogenetic location: 4q32.3.
Variant type: single nucleotide variant.
Coding change: c.739C>G on transcript NM_001166108.2 (MANE Select); coding-DNA position 739, C replaced by G.
Protein change: p.Gln247Glu; replaces glutamine 247 with glutamic acid.
Molecular consequence: missense variant.
Genome position (GRCh38, 1-based): chr4:168,512,243, C>G. VCF-style: chr4-168512243-C-G. GRCh37 (hg19) VCF-style: chr4-169433394-C-G.
Other names: c.739C>G, p.Gln247Glu (NM_016081.4); short protein forms Q247E.
Identifiers: ClinVar variation 2625570 (VCV002625570.2), dbSNP rs2531436151, ClinGen allele CA358728161.